The following is an entry in ClinVar:

NM_144997.7(FLCN):c.*557T>C

Gene: FLCN (folliculin; minus strand). Cytogenetic location: 17p11.2.
Variant type: single nucleotide variant.
Coding change: c.*557T>C on transcript NM_144997.7 (MANE Select); 557 bases downstream of the stop codon, T replaced by C.
Molecular consequence: 3 prime UTR variant.
Genome position (GRCh38, 1-based): chr17:17,213,098, A>G on the plus strand (T>C on the coding strand, the complement: FLCN is on the minus strand). VCF-style: chr17-17213098-A-G. GRCh37 (hg19) VCF-style: chr17-17116412-A-G.
Other names: c.*557T>C (LRG_325t1, NM_001353229.2, NM_001353230.2 and 1 more transcripts).
Identifiers: ClinVar variation 322048 (VCV000322048.9), dbSNP rs3803761, ClinGen allele CA10644961.

ClinVar aggregate classification (germline): Benign. Review status: criteria provided, multiple submitters, no conflicts (2 of 4 stars). 4 submissions from 3 submitters: Benign (4). Last evaluated 2021-05-12.

Conditions:
Familial spontaneous pneumothorax (PSP). Identifiers: Orphanet 2903, MedGen C1868193, MONDO:0008259, OMIM 173600.
Birt-Hogg-Dube syndrome. Also called: Birt Hogg Dubé syndrome. Identifiers: Orphanet 122, MedGen C0346010, MONDO:0800444.

Allele frequency attached by ClinVar (database versions not stated): TOPMed 0.70394; 1000 Genomes Project 30x 0.70971; 1000 Genomes Project 0.71066; gnomAD 0.71440 and 0.71694; gnomAD exomes 0.71544.
gnomAD v4.1: 184,952 of 258,560 alleles (72%); highest among the groups gnomAD compares: Non-Finnish European, 73%; 66,584 homozygotes.

Submissions (4):

GeneDx
Classification: Benign. Last evaluated: 2021-05-12. Review status: criteria provided, single submitter. Criteria: GeneDx Variant Classification Process June 2021. Collection method: clinical testing. Allele origin: germline. Affected: yes.
Comment: This variant is associated with the following publications: (PMID: 28222720)

Illumina Laboratory Services, Illumina
Classification: Benign for Familial spontaneous pneumothorax. Last evaluated: 2018-01-13. Review status: criteria provided, single submitter. Criteria: ICSL Variant Classification Criteria 13 December 2019. Collection method: clinical testing. Allele origin: germline.
Comment: This variant was observed in the ICSL laboratory as part of a predisposition screen in an ostensibly healthy population. It had not been previously curated by ICSL or reported in the Human Gene Mutation Database (HGMD: prior to June 1st, 2018), and was therefore a candidate for classification through an automated scoring system. Utilizing variant allele frequency, disease prevalence and penetrance estimates, and inheritance mode, an automated score was calculated to assess if this variant is too frequent to cause the disease. Based on the score and internal cut-off values, a variant classified as benign is not then subjected to further curation. The score for this variant resulted in a classification of benign for this disease.

Illumina Laboratory Services, Illumina
Classification: Benign for Birt-Hogg-Dube syndrome 1. Last evaluated: 2018-01-13. Review status: criteria provided, single submitter. Criteria: ICSL Variant Classification Criteria 13 December 2019. Collection method: clinical testing. Allele origin: germline.
Comment: the same text as in the submission from Illumina Laboratory Services, Illumina above.

Breakthrough Genomics
Classification: Benign. Review status: criteria provided, single submitter. Criteria: ACMG Guidelines, 2015. Collection method: not provided. Allele origin: germline. Inheritance: Autosomal dominant inheritance. Affected: yes.